The following is an entry in ClinVar:

ClinVar aggregate classification (germline): Uncertain significance (1 of 4 stars; one submission).

Conditions:
Inborn genetic diseases. Identifiers: MedGen C0950123, MeSH D030342.

Allele frequency attached by ClinVar (database versions not stated): gnomAD exomes below 0.00001.
gnomAD v4.1: 2 of 1,612,732 alleles (0.00012%); highest among the groups gnomAD compares: Non-Finnish European, 0.00017%; no homozygotes.

Submission:

Ambry Genetics
Classification: Uncertain significance for Inborn genetic diseases. Last evaluated: 2022-04-20. Review status: criteria provided, single submitter. Criteria: Ambry Variant Classification Scheme 2023. Collection method: clinical testing. Allele origin: germline.
Comment: The p.E1835G variant (also known as c.5504A>G), located in coding exon 37 of the LRRK2 gene, results from an A to G substitution at nucleotide position 5504. The glutamic acid at codon 1835 is replaced by glycine, an amino acid with similar properties. This amino acid position is conserved. In addition, the in silico prediction for this alteration is inconclusive. Since supporting evidence is limited at this time, the clinical significance of this alteration remains unclear.

NM_198578.4(LRRK2):c.5504A>G (p.Glu1835Gly)

Gene: LRRK2 (leucine rich repeat kinase 2; plus strand). Cytogenetic location: 12q12.
Variant type: single nucleotide variant.
Coding change: c.5504A>G on transcript NM_198578.4 (MANE Select); coding-DNA position 5504, A replaced by G.
Protein change: p.Glu1835Gly; replaces glutamic acid 1835 with glycine.
Molecular consequence: missense variant.
Genome position (GRCh38, 1-based): chr12:40,322,505, A>G. VCF-style: chr12-40322505-A-G. GRCh37 (hg19) VCF-style: chr12-40716307-A-G.
Other names: short protein forms E1835G.
Identifiers: ClinVar variation 1747995 (VCV001747995.2), dbSNP rs2499885962, ClinGen allele CA384420919.
Genomic context (GRCh38, chr12:40,322,505, plus strand): 5'-GTTTTAATGATGGTGAAGAACATCAAAAAATCTTACTTGATGACTTGATGAAGAAAGCAG[A>G]GGAAGGTATGTTTTGATACAACTTACAAATGCTTTTAAGTGATCCTTCAATACTTATGAA-3'
Protein context (NP_940980.4, residues 1825-1845): ILLDDLMKKA[Glu1835Gly]EGDLLVNPDQ